The following is an entry in ClinVar:

NM_005609.4(PYGM):c.2146dup (p.Val716fs)

Gene: PYGM (glycogen phosphorylase, muscle associated; minus strand). Cytogenetic location: 11q13.1.
Variant type: Duplication.
Coding change: c.2146dup on transcript NM_005609.4 (MANE Select); coding-DNA position 2146, one base duplicated (G; older notation c.2146dupG).
Protein change: p.Val716fs; shifts the reading frame from valine 716.
Molecular consequence: frameshift variant.
Genome position (GRCh38, 1-based): chr11:64,750,407, C duplicated on the plus strand (G on the coding strand, the reverse complement: PYGM is on the minus strand); the first of 3 consecutive C bases (chr11:64,750,407-64,750,409); duplicating any one gives the same sequence. VCF-style (leftmost placement, unchanged base first): chr11-64750406-A-AC. GRCh37 (hg19) VCF-style: chr11-64517878-A-AC.
Other names: c.1882dup, p.Val628fs (NM_001164716.1); short protein forms V716fs, V628fs.
Identifiers: ClinVar variation 2848436 (VCV002848436.4), dbSNP rs2496647974, ClinGen allele CA2739270508.

ClinVar aggregate classification (germline): Pathogenic/Likely pathogenic. Review status: criteria provided, multiple submitters, no conflicts (2 of 4 stars). 2 submissions from 2 submitters: Pathogenic (1); Likely pathogenic (1). Last evaluated 2024-02-17.

Conditions:
Glycogen storage disease, type V (GSD5). Also called: MCARDLE DISEASE; MUSCLE GLYCOGEN PHOSPHORYLASE DEFICIENCY; MYOPHOSPHORYLASE DEFICIENCY; PYGM DEFICIENCY; McArdle type glycogen storage disease. Identifiers: Orphanet 368, MedGen C0017924, MONDO:0009293, OMIM 232600.

Submissions (2):

Baylor Genetics
Classification: Likely pathogenic for Glycogen storage disease, type V. Last evaluated: 2024-02-17. Review status: criteria provided, single submitter. Criteria: ACMG Guidelines, 2015. Collection method: clinical testing. Allele origin: unknown.

Labcorp Genetics (formerly Invitae), Labcorp
Classification: Pathogenic for Glycogen storage disease, type V. Last evaluated: 2023-03-22. Review status: criteria provided, single submitter. Criteria: Invitae Variant Classification Sherloc (09022015). Collection method: clinical testing. Allele origin: germline.
Comment: This sequence change creates a premature translational stop signal (p.Val716Glyfs*6) in the PYGM gene. It is expected to result in an absent or disrupted protein product. Loss-of-function variants in PYGM are known to be pathogenic (PMID: 8316268, 16786513). This variant is not present in population databases (gnomAD no frequency). This variant has not been reported in the literature in individuals affected with PYGM-related conditions. Algorithms developed to predict the effect of sequence changes on RNA splicing suggest that this variant may create or strengthen a splice site. For these reasons, this variant has been classified as Pathogenic.

Literature cited by the submitters: PubMed 8316268 (cited by Labcorp Genetics (formerly Invitae), Labcorp); PubMed 16786513 (cited by Labcorp Genetics (formerly Invitae), Labcorp).